The following is an entry in ClinVar:

NM_002778.4(PSAP):c.10C>G (p.Leu4Val)

Gene: PSAP (prosaposin; minus strand). Cytogenetic location: 10q22.1.
Variant type: single nucleotide variant.
Coding change: c.10C>G on transcript NM_002778.4 (MANE Select); coding-DNA position 10, C replaced by G.
Protein change: p.Leu4Val; replaces leucine 4 with valine.
Molecular consequence: missense variant.
Genome position (GRCh38, 1-based): chr10:71,851,212, G>C on the plus strand (C>G on the coding strand, the complement: PSAP is on the minus strand). VCF-style: chr10-71851212-G-C. GRCh37 (hg19) VCF-style: chr10-73610969-G-C.
Other names: c.10C>G, p.Leu4Val (NM_001042465.3, NM_001042466.3); short protein forms L4V.
Identifiers: ClinVar variation 444224 (VCV000444224.55), dbSNP rs574280149, ClinGen allele CA5547944.

ClinVar aggregate classification (germline): Benign/Likely benign. Review status: criteria provided, multiple submitters, no conflicts (2 of 4 stars). 5 submissions from 5 submitters: Benign (1); Likely benign (2). 2 of the submissions do not count toward it. Last evaluated 2026-01-28.

Conditions:
Sphingolipid activator protein 1 deficiency. Also called: Metachromatic leukodystrophy due to saposin B deficiency; Saposin B Deficiency; METACHROMATIC LEUKODYSTROPHY DUE TO CEREBROSIDE SULFATASE ACTIVATOR DEFICIENCY. Identifiers: Orphanet 512, MedGen C0268262, MONDO:0009590, OMIM 249900.
PSAP-related disorder. Also called: PSAP-related condition.
Metachromatic leukodystrophy (MLD). Also called: ARSA DEFICIENCY; CEREBROSIDE SULFATASE DEFICIENCY; Cerebral sclerosis diffuse metachromatic form; Arylsulfatase A Deficiency; SULFATIDE LIPIDOSIS; METACHROMATIC LEUKOENCEPHALOPATHY. Identifiers: Orphanet 512, MedGen C0023522, MONDO:0018868, OMIM 250100.

Allele frequency attached by ClinVar (database versions not stated): gnomAD 0.00002 and 0.00013; TOPMed 0.00003; 1000 Genomes Project 30x 0.00031; 1000 Genomes Project 0.00040; gnomAD exomes 0.00078; ExAC 0.00222.
gnomAD v4.1: 463 of 1,551,142 alleles (0.03%); highest among the groups gnomAD compares: South Asian, 0.47%; 8 homozygotes.

Submissions (5):

Labcorp Genetics (formerly Invitae), Labcorp
Classification: Benign for Sphingolipid activator protein 1 deficiency. Last evaluated: 2026-01-28. Review status: criteria provided, single submitter. Criteria: Invitae Variant Classification Sherloc (09022015). Collection method: clinical testing. Allele origin: germline.

CeGaT Center for Human Genetics Tuebingen
Classification: Likely benign. Last evaluated: 2025-04-01. Review status: criteria provided, single submitter. Criteria: CeGaT Center For Human Genetics Tuebingen Variant Classification Criteria Version 2. Collection method: clinical testing. Allele origin: germline. Affected: yes. Observed: 2 variant alleles.
Comment: PSAP: BP4, BS2

Blueprint Genetics
Classification: Likely benign. Last evaluated: 2024-05-08. Review status: criteria provided, single submitter. Criteria: ACMG Guidelines, 2015. Collection method: clinical testing. Allele origin: germline.

PreventionGenetics, part of Exact Sciences
Classification: Likely benign for PSAP-related condition. Last evaluated: 2020-04-06. Review status: no assertion criteria provided. Collection method: clinical testing. Allele origin: germline. Not counted in ClinVar's aggregate classification.
Comment: This variant is classified as likely benign based on ACMG/AMP sequence variant interpretation guidelines (Richards et al. 2015 PMID: 25741868, with internal and published modifications).

Natera, Inc.
Classification: Benign for Metachromatic leukodystrophy. Last evaluated: 2020-01-17. Review status: no assertion criteria provided. Collection method: clinical testing. Allele origin: germline. Not counted in ClinVar's aggregate classification.